The following is an entry in ClinVar:

ClinVar aggregate classification (germline): Conflicting classifications of pathogenicity. Review status: criteria provided, conflicting classifications (1 of 4 stars). 2 submissions from 2 submitters: Uncertain significance (1); Likely benign (1). Last evaluated 2025-12-06.

Conditions:
Adams-Oliver syndrome 5 (AOS5). Identifiers: Orphanet 974, MedGen C4014970, MONDO:0014459, OMIM 616028.
Familial thoracic aortic aneurysm and aortic dissection (TAAD). Also called: Thoracic aortic aneurysms and dissections. Identifiers: Orphanet 91387, MedGen C4707243, MONDO:0019625.

Allele frequency attached by ClinVar (database versions not stated): ExAC 0.00001; gnomAD exomes 0.00001; TOPMed 0.00001; ESP Exome Variant Server 0.00008.
gnomAD v4.1: 9 of 1,611,442 alleles (0.00056%); highest among the groups gnomAD compares: East Asian, 0.0022%; no homozygotes.

Submissions (2):

Labcorp Genetics (formerly Invitae), Labcorp
Classification: Likely benign for Adams-Oliver syndrome 5. Last evaluated: 2025-12-06. Review status: criteria provided, single submitter. Criteria: Invitae Variant Classification Sherloc (09022015). Collection method: clinical testing. Allele origin: germline.

Ambry Genetics
Classification: Uncertain significance for Familial thoracic aortic aneurysm and aortic dissection. Last evaluated: 2024-02-01. Review status: criteria provided, single submitter. Criteria: Ambry Variant Classification Scheme 2023. Collection method: clinical testing. Allele origin: germline.
Comment: The p.R613H variant (also known as c.1838G>A), located in coding exon 11 of the NOTCH1 gene, results from a G to A substitution at nucleotide position 1838. The arginine at codon 613 is replaced by histidine, an amino acid with highly similar properties. This variant has been detected in an individual with aortic aneurysm (Overwater E et al. Hum. Mutat., 2018 09;39:1173-1192). This amino acid position is not well conserved in available vertebrate species. In addition, this alteration is predicted to be tolerated by in silico analysis. Since supporting evidence is limited at this time, the clinical significance of this alteration remains unclear.

Literature cited by the submitters: PubMed 29907982 (cited by Ambry Genetics).

NM_017617.5(NOTCH1):c.1838G>A (p.Arg613His)

Gene: NOTCH1 (notch receptor 1; minus strand). Cytogenetic location: 9q34.3.
Variant type: single nucleotide variant.
Coding change: c.1838G>A on transcript NM_017617.5 (MANE Select); coding-DNA position 1838, G replaced by A.
Protein change: p.Arg613His; replaces arginine 613 with histidine.
Molecular consequence: missense variant.
Genome position (GRCh38, 1-based): chr9:136,515,548, C>T on the plus strand (G>A on the coding strand, the complement: NOTCH1 is on the minus strand). VCF-style: chr9-136515548-C-T. GRCh37 (hg19) VCF-style: chr9-139410000-C-T.
Other names: short protein forms R613H.
Identifiers: ClinVar variation 849598 (VCV000849598.10), dbSNP rs369522885, ClinGen allele CA5341620.